The following is an entry in ClinVar:

NM_000135.4(FANCA):c.2151+8T>C

Gene: FANCA (FA complementation group A; minus strand). Cytogenetic location: 16q24.3.
Variant type: single nucleotide variant.
Coding change: c.2151+8T>C on transcript NM_000135.4 (MANE Select); 8 bases into the intron after coding-DNA position 2151, T replaced by C.
Molecular consequence: intron variant.
Genome position (GRCh38, 1-based): chr16:89,771,670, A>G on the plus strand (T>C on the coding strand, the complement: FANCA is on the minus strand). VCF-style: chr16-89771670-A-G. GRCh37 (hg19) VCF-style: chr16-89838078-A-G.
Other names: p.?; c.2151+8T>C (LRG_495t1, NM_001286167.3, NM_000135.3).
Identifiers: ClinVar variation 255245 (VCV000255245.36), dbSNP rs1800340, ClinGen allele CA8251888.
Genomic context (GRCh38, chr16:89,771,670, plus strand): 5'-CGTCTAATGCCTCTGCCTAATGGAAAATGGTGAAGACCCCCTGCTTTGTTCTGAGCCCCT[A>G]CACCTACCATGTGTTCCCGTGGCTCCAGTCTCGGCGTGTTGATGCTGAGCTGAATCTTTG-3'

ClinVar aggregate classification (germline): Benign. Review status: criteria provided, multiple submitters, no conflicts (2 of 4 stars). 12 submissions from 12 submitters: Benign (11). 1 of the submissions does not count toward it. Last evaluated 2026-05-30.

Conditions:
Fanconi anemia (FA). Also called: Fanconi's anemia. Identifiers: Orphanet 84, MedGen C0015625, MeSH D005199, MONDO:0019391.
Fanconi anemia complementation group A (FANCA). Also called: Fanconi anemia, group A; FANCA-Related Fanconi Anemia. Identifiers: Orphanet 84, MedGen C3469521, MONDO:0009215, OMIM 227650.

Allele frequency attached by ClinVar (database versions not stated): ESP Exome Variant Server 0.37427; gnomAD 0.40536 and 0.41582; TOPMed 0.42531; ExAC 0.43148; gnomAD exomes 0.43757; 1000 Genomes Project 30x 0.55934; 1000 Genomes Project 0.55990.
gnomAD v4.1: 596,810 of 1,613,336 alleles (37%); highest among the groups gnomAD compares: East Asian, 81%; 121,852 homozygotes.

Submissions (12):

Women's Health and Genetics/Laboratory Corporation of America, LabCorp
Classification: Benign. Last evaluated: 2026-05-30. Review status: criteria provided, single submitter. Criteria: LabCorp Variant Classification Summary - May 2015. Collection method: clinical testing. Allele origin: germline.

Labcorp Genetics (formerly Invitae), Labcorp
Classification: Benign for Fanconi anemia. Last evaluated: 2026-02-04. Review status: criteria provided, single submitter. Criteria: Invitae Variant Classification Sherloc (09022015). Collection method: clinical testing. Allele origin: germline.

ARUP Laboratories, Molecular Genetics and Genomics, ARUP Laboratories
Classification: Benign for Fanconi anemia complementation group A. Last evaluated: 2025-07-28. Review status: criteria provided, single submitter. Criteria: ARUP Molecular Germline Variant Investigation Process 2024. Collection method: clinical testing. Allele origin: germline.

GeneKor MSA
Classification: Benign for Fanconi anemia complementation group A. Last evaluated: 2025-07-10. Review status: criteria provided, single submitter. Criteria: ACMG Guidelines, 2015. Collection method: clinical testing. Allele origin: germline.

Blueprint Genetics
Classification: Benign. Last evaluated: 2024-11-27. Review status: criteria provided, single submitter. Criteria: ACMG Guidelines, 2015. Collection method: clinical testing. Allele origin: germline.

KCCC/NGS Laboratory, Kuwait Cancer Control Center
Classification: Benign for Fanconi anemia complementation group A. Last evaluated: 2023-07-07. Review status: criteria provided, single submitter. Criteria: ACMG Guidelines, 2015. Collection method: clinical testing. Allele origin: germline. Affected: yes.

Mayo Clinic Laboratories, Mayo Clinic
Classification: Benign. Last evaluated: 2022-09-06. Review status: criteria provided, single submitter. Criteria: ACMG Guidelines, 2015. Collection method: clinical testing. Allele origin: germline. Observed: 944 variant alleles.

Genome-Nilou Lab
Classification: Benign for Fanconi anemia complementation group A. Last evaluated: 2021-07-08. Review status: criteria provided, single submitter. Criteria: ACMG Guidelines, 2015. Collection method: clinical testing. Allele origin: germline. Affected: no.

Illumina Laboratory Services, Illumina
Classification: Benign for Fanconi anemia complementation group A. Last evaluated: 2018-01-13. Review status: criteria provided, single submitter. Criteria: ICSL Variant Classification Criteria 13 December 2019. Collection method: clinical testing. Allele origin: germline.
Comment: This variant was observed in the ICSL laboratory as part of a predisposition screen in an ostensibly healthy population. It had not been previously curated by ICSL or reported in the Human Gene Mutation Database (HGMD: prior to June 1st, 2018), and was therefore a candidate for classification through an automated scoring system. Utilizing variant allele frequency, disease prevalence and penetrance estimates, and inheritance mode, an automated score was calculated to assess if this variant is too frequent to cause the disease. Based on the score and internal cut-off values, a variant classified as benign is not then subjected to further curation. The score for this variant resulted in a classification of benign for this disease.

Breakthrough Genomics
Classification: Benign. Review status: criteria provided, single submitter. Criteria: ACMG Guidelines, 2015. Collection method: not provided. Allele origin: germline. Inheritance: Autosomal recessive inheritance. Affected: yes.

PreventionGenetics, part of Exact Sciences
Classification: Benign. Review status: criteria provided, single submitter. Criteria: ACMG Guidelines, 2015. Collection method: clinical testing. Allele origin: germline.

Natera, Inc.
Classification: Benign for Fanconi anemia, group A. Last evaluated: 2020-09-16. Review status: no assertion criteria provided. Collection method: clinical testing. Allele origin: germline. Not counted in ClinVar's aggregate classification.